The following is an entry in ClinVar:

NM_001079843.3(CASZ1):c.4147G>A (p.Glu1383Lys)

Gene: CASZ1 (castor zinc finger 1; minus strand). Cytogenetic location: 1p36.22.
Variant type: single nucleotide variant.
Coding change: c.4147G>A on transcript NM_001079843.3 (MANE Select); coding-DNA position 4147, G replaced by A.
Protein change: p.Glu1383Lys; replaces glutamic acid 1383 with lysine.
Molecular consequence: missense variant.
Genome position (GRCh38, 1-based): chr1:10,642,874, C>T on the plus strand (G>A on the coding strand, the complement: CASZ1 is on the minus strand). VCF-style: chr1-10642874-C-T. GRCh37 (hg19) VCF-style: chr1-10702931-C-T.
Other names: short protein forms E1383K.
Identifiers: ClinVar variation 3613325 (VCV003613325.2).

ClinVar aggregate classification (germline): Uncertain significance (1 of 4 stars; one submission).

gnomAD v4.1: 18 of 1,612,818 alleles (0.0011%); highest among the groups gnomAD compares: South Asian, 0.0077%; no homozygotes.

Submission:

Labcorp Genetics (formerly Invitae), Labcorp
Classification: Uncertain significance. Last evaluated: 2025-01-15. Review status: criteria provided, single submitter. Criteria: Invitae Variant Classification Sherloc (09022015). Collection method: clinical testing. Allele origin: germline.
Comment: This sequence change replaces glutamic acid, which is acidic and polar, with lysine, which is basic and polar, at codon 1383 of the CASZ1 protein (p.Glu1383Lys). This variant is present in population databases (rs755943898, gnomAD 0.007%). This variant has not been reported in the literature in individuals affected with CASZ1-related conditions. An algorithm developed to predict the effect of missense changes on protein structure and function (PolyPhen-2) suggests that this variant is likely to be disruptive. In summary, the available evidence is currently insufficient to determine the role of this variant in disease. Therefore, it has been classified as a Variant of Uncertain Significance.